The following is an entry in ClinVar:

ClinVar aggregate classification (germline): Uncertain significance (1 of 4 stars; one submission).

Conditions:
Charcot-Marie-Tooth disease type 2E (CMT2E). Also called: CHARCOT-MARIE-TOOTH DISEASE, AXONAL, TYPE 2E; CHARCOT-MARIE-TOOTH NEUROPATHY, TYPE 2E. Identifiers: Orphanet 99939, MedGen C1843225, MONDO:0011894, OMIM 607684.

Submission:

Labcorp Genetics (formerly Invitae), Labcorp
Classification: Uncertain significance for Charcot-Marie-Tooth disease type 2E. Last evaluated: 2026-01-16. Review status: criteria provided, single submitter. Criteria: Invitae Variant Classification Sherloc (09022015). Collection method: clinical testing. Allele origin: germline.
Comment: This sequence change replaces glutamic acid, which is acidic and polar, with lysine, which is basic and polar, at codon 479 of the NEFL protein (p.Glu479Lys). This variant is not present in population databases (gnomAD no frequency). This variant has not been reported in the literature in individuals affected with NEFL-related conditions. Invitae Evidence Modeling of protein sequence and biophysical properties (such as structural, functional, and spatial information, amino acid conservation, physicochemical variation, residue mobility, and thermodynamic stability) has been performed for this missense variant. However, the output from this modeling did not meet the statistical confidence thresholds required to predict the impact of this variant on NEFL protein function. In summary, the available evidence is currently insufficient to determine the role of this variant in disease. Therefore, it has been classified as a Variant of Uncertain Significance.

NM_006158.5(NEFL):c.1435G>A (p.Glu479Lys)

Gene: NEFL (neurofilament light chain; minus strand). Cytogenetic location: 8p21.2.
Variant type: single nucleotide variant.
Coding change: c.1435G>A on transcript NM_006158.5 (MANE Select); coding-DNA position 1435, G replaced by A.
Protein change: p.Glu479Lys; replaces glutamic acid 479 with lysine.
Molecular consequence: missense variant.
Genome position (GRCh38, 1-based): chr8:24,953,530, C>T on the plus strand (G>A on the coding strand, the complement: NEFL is on the minus strand). VCF-style: chr8-24953530-C-T. GRCh37 (hg19) VCF-style: chr8-24811043-C-T.
Other names: short protein forms E479K.
Identifiers: ClinVar variation 4802726 (VCV004802726.1).